The following is an entry in ClinVar:

NM_007294.4(BRCA1):c.5407-1G>C

Gene: BRCA1 (BRCA1 DNA repair associated; minus strand). Cytogenetic location: 17q21.31.
Variant type: single nucleotide variant.
Coding change: c.5407-1G>C on transcript NM_007294.4 (MANE Select); the canonical splice acceptor site of the intron before coding-DNA position 5407, G replaced by C.
Molecular consequence: splice acceptor variant.
Genome position (GRCh38, 1-based): chr17:43,047,704, C>G on the plus strand (G>C on the coding strand, the complement: BRCA1 is on the minus strand). VCF-style: chr17-43047704-C-G. GRCh37 (hg19) VCF-style: chr17-41199721-C-G.
Other names: IVS22-1G>C; c.1171-1G>C (NM_001408514.1); c.1885-1G>C (NM_001408485.1, NM_001408483.1, NM_001408491.1 and 5 more transcripts); c.5194-1G>C (NM_001407908.1, NM_001407902.1, NM_001407897.1 and 12 more transcripts); c.5197-1G>C (NM_001407882.1, NM_001407879.1, NM_001407885.1 and 5 more transcripts); c.1969-1G>C (NM_001408447.1, NM_001408450.1, NM_001408446.1 and 2 more transcripts); c.1972-1G>C (NM_001408433.1, NM_001408441.1, NM_001408437.1 and 10 more transcripts); c.5275-1G>C (NM_001407690.1, NM_001407691.1); and 84 more.
Identifiers: ClinVar variation 125846 (VCV000125846.21), dbSNP rs80358029, ClinGen allele CA003570.
Genomic context (GRCh38, chr17:43,047,704, plus strand): 5'-ATGGAAGCCATTGTCCTCTGTCCAGGCATCTGGCTGCACAACCACAATTGGGTGGACACC[C>G]TGGATCCCCAGGAAGGAAAGAGCATTCAAAGTGTCAAAGTAGGACTACTGGAACTGTCAC-3'

ClinVar aggregate classification (germline): Pathogenic/Likely pathogenic. Review status: criteria provided, multiple submitters, no conflicts (2 of 4 stars). 6 submissions from 6 submitters: Pathogenic (4); Likely pathogenic (1). 1 of the submissions does not count toward it. Last evaluated 2025-11-26.

Conditions:
Hereditary cancer-predisposing syndrome. Also called: Tumor predisposition; Hereditary neoplastic syndrome; Hereditary Cancer Syndrome; Neoplastic Syndromes, Hereditary. Identifiers: Orphanet 140162, MedGen C0027672, MeSH D009386, MONDO:0015356.
Hereditary breast ovarian cancer syndrome. Also called: Hereditary breast and/or ovarian cancer syndrome; Breast and ovarian cancer; Hereditary breast and ovarian cancer syndrome; Hereditary breast and ovarian cancer; Hereditary breast and ovarian cancer syndrome (HBOC); BRCA1- and BRCA2-Associated Hereditary Breast and Ovarian Cancer. Identifiers: Orphanet 145, MedGen C0677776, MeSH D061325, MONDO:0003582. Disease mechanism: loss of function.
Breast-ovarian cancer, familial, susceptibility to, 1 (BROVCA1). Also called: BRCA1 Hereditary Breast and Ovarian Cancer; OVARIAN CANCER, SUSCEPTIBILITY TO. Identifiers: Orphanet 145, MedGen C2676676, MONDO:0011450, OMIM 604370. Disease mechanism: loss of function.

Submissions (7):

Ambry Genetics
Classification: Likely pathogenic for Hereditary cancer-predisposing syndrome. Last evaluated: 2025-11-26. Review status: criteria provided, single submitter. Criteria: Ambry Variant Classification Scheme 2023. Collection method: clinical testing. Allele origin: germline.
Comment: The c.5407-1G>C intronic variant results from a G to C substitution one nucleotide upstream from coding exon 21 of the BRCA1 gene. Alterations that disrupt the canonical splice site are expected to result in aberrant splicing. In silico splice site analysis predicts that this alteration will weaken the native splice acceptor site and may result in the creation or strengthening of a novel splice acceptor site. A resulting transcript is predicted to be in-frame and is not expected to trigger nonsense-mediated mRNAdecay; although, direct evidence is unavailable. However, the region predicted to be impacted is critical for protein function (Ambry internal data). One functional study found that this nucleotide substitution is non-functional in a high throughput genome editing haploid cell survival assay (Findlay GM et al. Nature, 2018 Oct;562:217-222). This nucleotide position is highly conserved in available vertebrate species. Based on the majority of available evidence to date, this variant is likely to be pathogenic

Labcorp Genetics (formerly Invitae), Labcorp
Classification: Pathogenic for Hereditary breast ovarian cancer syndrome. Last evaluated: 2021-08-23. Review status: criteria provided, single submitter. Criteria: Invitae Variant Classification Sherloc (09022015). Collection method: clinical testing. Allele origin: germline.
Comment: This sequence change affects an acceptor splice site in intron 21 of the BRCA1 gene. It is expected to disrupt RNA splicing. Variants that disrupt the donor or acceptor splice site typically lead to a loss of protein function (PMID: 16199547), and loss-of-function variants in BRCA1 are known to be pathogenic (PMID: 20104584). Algorithms developed to predict the effect of sequence changes on RNA splicing suggest that this variant may disrupt the consensus splice site. Experimental studies have shown that disruption of this splice site affects BRCA1 function (PMID: 30209399). Algorithms developed to predict the effect of variants on protein structure and function are not available or were not evaluated for this variant. ClinVar contains an entry for this variant (Variation ID: 125846). Disruption of this splice site has been observed in individual(s) with hereditary breast and ovarian cancer (HBOC) syndrome (PMID: 29446198, 29470806). This variant is not present in population databases (ExAC no frequency). For these reasons, this variant has been classified as Pathogenic.

GeneDx
Classification: Pathogenic. Last evaluated: 2020-03-05. Review status: criteria provided, single submitter. Criteria: GeneDx Variant Classification Process June 2021. Collection method: clinical testing. Allele origin: germline. Affected: yes.
Comment: Canonical splice site variant predicted to result in a null allele in a gene for which loss-of-function is a known mechanism of disease; Not observed n large population cohorts (Lek et al., 2016); This variant is associated with the following publications: (PMID: 29470806, 30209399, 29446198, 31131967)

Women's Health and Genetics/Laboratory Corporation of America, LabCorp
Classification: Pathogenic for Hereditary breast and ovarian cancer syndrome. Last evaluated: 2019-09-26. Review status: criteria provided, single submitter. Criteria: LabCorp Variant Classification Summary - May 2015. Collection method: clinical testing. Allele origin: germline.
Comment: Variant summary: BRCA1 c.5407-1G>C is located in a canonical splice-site and is predicted to affect mRNA splicing resulting in a significantly altered protein due to either exon skipping, shortening, or inclusion of intronic material. Several computational tools predict a significant impact on normal splicing: Four predict the variant abolishes a 3' acceptor site. The variant was absent in 251482 control chromosomes (gnomAD). c.5407-1G>C has been reported in the literature in individuals affected with Hereditary Breast and Ovarian Cancer (Judkins_2005, Singh_2018, Rebbeck_2018). These data indicate that the variant is likely associated with disease. To our knowledge, no experimental evidence demonstrating an impact on protein function has been reported. One clinical diagnostic laboratory has submitted clinical-significance assessments for this variant to ClinVar after 2014 without evidence for independent evaluation, and classified the variant as pathogenic. Based on the evidence outlined above, the variant was classified as pathogenic.

Consortium of Investigators of Modifiers of BRCA1/2 (CIMBA), c/o University of Cambridge
Classification: Pathogenic for Breast-ovarian cancer, familial, susceptibility to, 1. Last evaluated: 2015-10-02. Review status: criteria provided, single submitter. Criteria: CIMBA Mutation Classification guidelines May 2016. Collection method: clinical testing. Allele origin: germline.

Breast Cancer Information Core (BIC) (BRCA1)
Classification: Pathogenic for Breast-ovarian cancer, familial 1. Last evaluated: 2004-11-25. Review status: no assertion criteria provided. Collection method: clinical testing. Allele origin: germline. Affected: yes. Observed: 1 variant allele. Not counted in ClinVar's aggregate classification.

Brotman Baty Institute, University of Washington
No classification provided (evidence only). Condition: Breast-ovarian cancer, familial 1. Review status: no classification provided. Collection method: in vitro. Allele origin: not applicable. Functional consequence: functionally_abnormal. Not counted in ClinVar's aggregate classification.
ClinVar note: "not provided" was previously submitted as the classification for the variant. However, the classification appeared to be based only on an observation of functional data so it was converted to no classification on 2025-07-30.

Literature cited by the submitters: PubMed 30209399 (cited by Ambry Genetics and Labcorp Genetics (formerly Invitae), Labcorp); PubMed 16199547 (cited by Labcorp Genetics (formerly Invitae), Labcorp); PubMed 20104584 (cited by Labcorp Genetics (formerly Invitae), Labcorp); PubMed 29446198 (cited by Labcorp Genetics (formerly Invitae), Labcorp and Women's Health and Genetics/Laboratory Corporation of America, LabCorp); PubMed 29470806 (cited by Labcorp Genetics (formerly Invitae), Labcorp and Women's Health and Genetics/Laboratory Corporation of America, LabCorp); PubMed 16267036 (cited by Women's Health and Genetics/Laboratory Corporation of America, LabCorp); PubMed 28526081 (cited by Women's Health and Genetics/Laboratory Corporation of America, LabCorp).